The following is an entry in ClinVar:

NM_003102.4(SOD3):c.271G>A (p.Ala91Thr)

Gene: SOD3 (superoxide dismutase 3; plus strand). Cytogenetic location: 4p15.2.
Variant type: single nucleotide variant.
Coding change: c.271G>A on transcript NM_003102.4 (MANE Select); coding-DNA position 271, G replaced by A.
Protein change: p.Ala91Thr; replaces alanine 91 with threonine.
Molecular consequence: missense variant.
Genome position (GRCh38, 1-based): chr4:24,799,792, G>A. VCF-style: chr4-24799792-G-A. GRCh37 (hg19) VCF-style: chr4-24801414-G-A.
Other names: short protein forms A91T.
Identifiers: ClinVar variation 708784 (VCV000708784.5), dbSNP rs17879876, ClinGen allele CA2876248.
Genomic context (GRCh38, chr4:24,799,792, plus strand): 5'-CTGGACGCCGCGCAGCCCCGGGTGACCGGCGTCGTCCTCTTCCGGCAGCTTGCGCCCCGC[G>A]CCAAGCTCGACGCCTTCTTCGCCCTGGAGGGCTTCCCGACCGAGCCGAACAGCTCCAGCC-3'
Protein context (NP_003093.2, residues 81-101): VVLFRQLAPR[Ala91Thr]KLDAFFALEG

ClinVar aggregate classification (germline): Benign. Review status: criteria provided, single submitter (1 of 4 stars). 2 submissions from 2 submitters: Benign (1). 1 of the submissions does not count toward it. Last evaluated 2018-08-16.

Conditions:
SOD3-related disorder. Also called: SOD3-related condition.

Allele frequency attached by ClinVar (database versions not stated): gnomAD exomes 0.00066; ExAC 0.00121; 1000 Genomes Project 30x 0.00172; 1000 Genomes Project 0.00200; gnomAD 0.00234 and 0.00250; TOPMed 0.00255; ESP Exome Variant Server 0.00258.
gnomAD v4.1: 895 of 1,587,406 alleles (0.056%); highest among the groups gnomAD compares: African/African-American, 0.79%; 1 homozygote.

Submissions (2):

Labcorp Genetics (formerly Invitae), Labcorp
Classification: Benign. Last evaluated: 2018-08-16. Review status: criteria provided, single submitter. Criteria: Invitae Variant Classification Sherloc (09022015). Collection method: clinical testing. Allele origin: germline.

PreventionGenetics, part of Exact Sciences
Classification: Benign for SOD3-related condition. Last evaluated: 2019-10-01. Review status: no assertion criteria provided. Collection method: clinical testing. Allele origin: germline. Not counted in ClinVar's aggregate classification.
Comment: This variant is classified as benign based on ACMG/AMP sequence variant interpretation guidelines (Richards et al. 2015 PMID: 25741868, with internal and published modifications).